The following is an entry in ClinVar:

ClinVar aggregate classification (germline): Uncertain significance (1 of 4 stars; one submission).

Allele frequency attached by ClinVar (database versions not stated): gnomAD exomes below 0.00001; ExAC 0.00002.
gnomAD v4.1: 1 of 1,598,164 alleles (0.000063%); highest among the groups gnomAD compares: Admixed American, 0.0017%; no homozygotes.

Submission:

Labcorp Genetics (formerly Invitae), Labcorp
Classification: Uncertain significance. Last evaluated: 2022-03-28. Review status: criteria provided, single submitter. Criteria: Invitae Variant Classification Sherloc (09022015). Collection method: clinical testing. Allele origin: germline.
Comment: This sequence change affects codon 789 of the MYO7A mRNA. It is a 'silent' change, meaning that it does not change the encoded amino acid sequence of the MYO7A protein. The frequency data for this variant in the population databases is considered unreliable, as metrics indicate poor data quality at this position in the gnomAD database. This variant has not been reported in the literature in individuals affected with MYO7A-related conditions. ClinVar contains an entry for this variant (Variation ID: 1027097). Algorithms developed to predict the effect of sequence changes on RNA splicing suggest that this variant may create or strengthen a splice site. In summary, the available evidence is currently insufficient to determine the role of this variant in disease. Therefore, it has been classified as a Variant of Uncertain Significance.

NM_000260.4(MYO7A):c.2365C>T (p.Leu789=)

Gene: MYO7A (myosin VIIA; plus strand). Cytogenetic location: 11q13.5.
Variant type: single nucleotide variant.
Coding change: c.2365C>T on transcript NM_000260.4 (MANE Select); coding-DNA position 2365, C replaced by T.
Protein change: p.Leu789=; no amino-acid change (leucine 789 retained).
Molecular consequence: synonymous variant.
Genome position (GRCh38, 1-based): chr11:77,179,127, C>T. VCF-style: chr11-77179127-C-T. GRCh37 (hg19) VCF-style: chr11-76890173-C-T.
Other names: c.2365C>T, p.Leu789= (NM_001127180.2); c.2332C>T, p.Leu778= (NM_001369365.1).
Identifiers: ClinVar variation 1027097 (VCV001027097.7), dbSNP rs781904298, ClinGen allele CA6197814.